The following is an entry in ClinVar:

ClinVar aggregate classification (germline): Uncertain significance. Review status: criteria provided, multiple submitters, no conflicts (2 of 4 stars). 2 submissions from 2 submitters: Uncertain significance (2). Last evaluated 2025-12-03.

Conditions:
Malignant hyperthermia, susceptibility to, 1 (MHS1). Also called: Anesthesia related hyperthermia; Malignant hyperpyrexia; Fulminating hyperpyrexia; Pharmacogenic myopathy; RYR1-Related Malignant Hyperthermia Susceptibility; Malignant hyperthermia suceptibility 1. Identifiers: Orphanet 423, MedGen C2930980, MONDO:0007783, OMIM 145600.
RYR1-related disorder. Also called: RYR1-related condition; RYR1-related disorders. Identifiers: MedGen CN239331.

Submissions (2):

Labcorp Genetics (formerly Invitae), Labcorp
Classification: Uncertain significance for RYR1-related disorder. Last evaluated: 2025-12-03. Review status: criteria provided, single submitter. Criteria: Invitae Variant Classification Sherloc (09022015). Collection method: clinical testing. Allele origin: germline.
Comment: This sequence change replaces proline, which is neutral and non-polar, with alanine, which is neutral and non-polar, at codon 1736 of the RYR1 protein (p.Pro1736Ala). This variant is not present in population databases (gnomAD no frequency). This variant has not been reported in the literature in individuals affected with RYR1-related conditions. ClinVar contains an entry for this variant (Variation ID: 3073129). Invitae Evidence Modeling of protein sequence and biophysical properties (such as structural, functional, and spatial information, amino acid conservation, physicochemical variation, residue mobility, and thermodynamic stability) indicates that this missense variant is expected to disrupt RYR1 protein function with a positive predictive value of 80%. In summary, the available evidence is currently insufficient to determine the role of this variant in disease. Therefore, it has been classified as a Variant of Uncertain Significance.

All of Us Research Program, National Institutes of Health
Classification: Uncertain significance for Malignant hyperthermia, susceptibility to, 1. Last evaluated: 2023-11-30. Review status: criteria provided, single submitter. Criteria: ACMG Guidelines, 2015. Collection method: clinical testing. Allele origin: germline. Inheritance: Autosomal dominant inheritance. Observed: 1 variant allele, 1 heterozygote.
Comment: This study involves interpretation of variants in research participants for the purpose of population health screening. Participant phenotype was not available at the time of variant classification. Additional details can be found in publication PMID: 35346344, PMCID: PMC8962531

NM_000540.3(RYR1):c.5206C>G (p.Pro1736Ala)

Gene: RYR1 (ryanodine receptor 1; plus strand). Cytogenetic location: 19q13.2.
Variant type: single nucleotide variant.
Coding change: c.5206C>G on transcript NM_000540.3 (MANE Select); coding-DNA position 5206, C replaced by G.
Protein change: p.Pro1736Ala; replaces proline 1736 with alanine.
Molecular consequence: missense variant.
Genome position (GRCh38, 1-based): chr19:38,485,861, C>G. VCF-style: chr19-38485861-C-G. GRCh37 (hg19) VCF-style: chr19-38976501-C-G.
Other names: c.5206C>G, p.Pro1736Ala (NM_001042723.2); short protein forms P1736A.
Identifiers: ClinVar variation 3073129 (VCV003073129.2), dbSNP rs778862553, ClinGen allele CA405654165.